The following is an entry in ClinVar:

NM_000179.3(MSH6):c.3698A>G (p.Lys1233Arg)

Gene: MSH6 (mutS homolog 6; plus strand). Cytogenetic location: 2p16.3.
Variant type: single nucleotide variant.
Coding change: c.3698A>G on transcript NM_000179.3 (MANE Select); coding-DNA position 3698, A replaced by G.
Protein change: p.Lys1233Arg; replaces lysine 1233 with arginine.
Molecular consequence: missense variant.
Genome position (GRCh38, 1-based): chr2:47,806,255, A>G. VCF-style: chr2-47806255-A-G. GRCh37 (hg19) VCF-style: chr2-48033394-A-G.
Other names: c.3308A>G, p.Lys1103Arg (NM_001281492.2); c.2792A>G, p.Lys931Arg (NM_001281493.2, NM_001281494.2); short protein forms K1233R, K1103R, K931R.
Identifiers: ClinVar variation 495715 (VCV000495715.17), dbSNP rs766557450, ClinGen allele CA346760973.
Genomic context (GRCh38, chr2:47,806,255, plus strand): 5'-CTTTAACAGGAAGAGGTACTGCAACATTTGATGGGACGGCAATAGCAAATGCAGTTGTTA[A>G]AGAACTTGCTGAGACTATAAAATGTCGTACATTATTTTCAACTCACTACCATTCATTAGT-3'
Protein context (NP_000170.1, residues 1223-1243): DGTAIANAVV[Lys1233Arg]ELAETIKCRT

ClinVar aggregate classification (germline): Conflicting classifications of pathogenicity. Review status: criteria provided, conflicting classifications (1 of 4 stars). 6 submissions from 6 submitters: Uncertain significance (5); Likely benign (1). Last evaluated 2025-04-30.

Conditions:
Hereditary nonpolyposis colorectal neoplasms. Identifiers: MedGen C0009405, MeSH D003123.
Hereditary cancer-predisposing syndrome. Also called: Tumor predisposition; Neoplastic Syndromes, Hereditary; Hereditary neoplastic syndrome; Hereditary Cancer Syndrome. Identifiers: Orphanet 140162, MedGen C0027672, MeSH D009386, MONDO:0015356.
Endometrial carcinoma. Also called: Endometrial carcinoma, somatic. Identifiers: MedGen C0476089, MONDO:0002447, OMIM 608089, HP:0012114.

gnomAD v4.1: 1 of 1,614,138 alleles (0.000062%); highest among the groups gnomAD compares: Non-Finnish European, 0.000085%; no homozygotes.

Submissions (6):

Labcorp Genetics (formerly Invitae), Labcorp
Classification: Likely benign for Hereditary nonpolyposis colorectal neoplasms. Last evaluated: 2025-04-30. Review status: criteria provided, single submitter. Criteria: Invitae Variant Classification Sherloc (09022015). Collection method: clinical testing. Allele origin: germline.

Ambry Genetics
Classification: Uncertain significance for Hereditary cancer-predisposing syndrome. Last evaluated: 2023-11-30. Review status: criteria provided, single submitter. Criteria: Ambry Variant Classification Scheme 2023. Collection method: clinical testing. Allele origin: germline.
Comment: The p.K1233R variant (also known as c.3698A>G), located in coding exon 8 of the MSH6 gene, results from an A to G substitution at nucleotide position 3698. The lysine at codon 1233 is replaced by arginine, an amino acid with highly similar properties. This amino acid position is well conserved in available vertebrate species. In addition, this alteration is predicted to be tolerated by in silico analysis. Since supporting evidence is limited at this time, the clinical significance of this alteration remains unclear.

Baylor Genetics
Classification: Uncertain significance for Endometrial carcinoma. Last evaluated: 2023-07-29. Review status: criteria provided, single submitter. Criteria: ACMG Guidelines, 2015. Collection method: clinical testing. Allele origin: unknown.

Color Diagnostics, LLC DBA Color Health
Classification: Uncertain significance for Hereditary cancer-predisposing syndrome. Last evaluated: 2023-01-10. Review status: criteria provided, single submitter. Criteria: ACMG Guidelines, 2015. Collection method: clinical testing. Allele origin: germline.
Comment: This missense variant replaces lysine with arginine at codon 1233 of the MSH6 protein. Computational prediction suggests that this variant may not impact protein structure and function (internally defined REVEL score threshold <= 0.5, PMID: 27666373). To our knowledge, functional studies have not been reported for this variant. This variant has not been reported in individuals affected with MSH6-related disorders in the literature. This variant has been identified in 1/251224 chromosomes in the general population by the Genome Aggregation Database (gnomAD). The available evidence is insufficient to determine the role of this variant in disease conclusively. Therefore, this variant is classified as a Variant of Uncertain Significance.

GeneDx
Classification: Uncertain significance. Last evaluated: 2019-07-18. Review status: criteria provided, single submitter. Criteria: GeneDx Variant Classification Process June 2021. Collection method: clinical testing. Allele origin: germline. Affected: yes.
Comment: Not observed at a significant frequency in large population cohorts (Lek 2016); In silico analysis, which includes protein predictors and evolutionary conservation, supports that this variant does not alter protein structure/function; Has not been previously published as pathogenic or benign to our knowledge

Women's Health and Genetics/Laboratory Corporation of America, LabCorp
Classification: Uncertain significance. Last evaluated: 2019-07-08. Review status: criteria provided, single submitter. Criteria: LabCorp Variant Classification Summary - May 2015. Collection method: clinical testing. Allele origin: germline.
Comment: Variant summary: MSH6 c.3698A>G (p.Lys1233Arg) results in a conservative amino acid change located in the C-terminal domain (IPR000432) of the encoded protein sequence. Four of five in-silico tools predict a benign effect of the variant on protein function. The variant allele was found at a frequency of 4e-06 in 251224 control chromosomes (gnomAD). The available data on variant occurrences in the general population are insufficient to allow any conclusion about variant significance. To our knowledge, no occurrence of c.3698A>G in individuals affected with Lynch Syndrome and no experimental evidence demonstrating its impact on protein function have been reported. One other clinical diagnostic laboratory has submitted clinical-significance assessments for this variant to ClinVar after 2014, and classified the variant as uncertain significance. Based on the evidence outlined above, the variant was classified as uncertain significance.